The following is an entry in ClinVar:

ClinVar aggregate classification (germline): Likely benign. Review status: criteria provided, multiple submitters, no conflicts (2 of 4 stars). 3 submissions from 3 submitters: Likely benign (3). Last evaluated 2023-10-27.

Conditions:
Hypokalemic periodic paralysis, type 1. Also called: HypoPP; Hypokalemic Periodic Paralysis Type 1 (AD). Identifiers: Orphanet 681, MedGen C3714580, MONDO:0042979, OMIM 170400.
Malignant hyperthermia, susceptibility to, 5 (MHS5). Also called: CACNA1S-Related Malignant Hyperthermia Susceptibility. Identifiers: Orphanet 423, MedGen C1866077, MONDO:0011163, OMIM 601887.

Submissions (3):

All of Us Research Program, National Institutes of Health
Classification: Likely benign for Malignant hyperthermia, susceptibility to, 5. Last evaluated: 2023-10-27. Review status: criteria provided, single submitter. Criteria: ACMG Guidelines, 2015. Collection method: clinical testing. Allele origin: germline. Inheritance: Autosomal dominant inheritance. Observed: 4 variant alleles, 4 heterozygotes.
Comment: This study involves interpretation of variants in research participants for the purpose of population health screening. Participant phenotype was not available at the time of variant classification. Additional details can be found in publication PMID: 35346344, PMCID: PMC8962531

Labcorp Genetics (formerly Invitae), Labcorp
Classification: Likely benign for Hypokalemic periodic paralysis, type 1; Malignant hyperthermia, susceptibility to, 5. Last evaluated: 2023-09-15. Review status: criteria provided, single submitter. Criteria: Invitae Variant Classification Sherloc (09022015). Collection method: clinical testing. Allele origin: germline.

Color Diagnostics, LLC DBA Color Health
Classification: Likely benign for Malignant hyperthermia, susceptibility to, 5. Last evaluated: 2022-11-06. Review status: criteria provided, single submitter. Criteria: ACMG Guidelines, 2015. Collection method: clinical testing. Allele origin: germline.

NM_000069.3(CACNA1S):c.1684C>T (p.Leu562=)

Gene: CACNA1S (calcium voltage-gated channel subunit alpha1 S; minus strand). Cytogenetic location: 1q32.1.
Variant type: single nucleotide variant.
Coding change: c.1684C>T on transcript NM_000069.3 (MANE Select); coding-DNA position 1684, C replaced by T.
Protein change: p.Leu562=; no amino-acid change (leucine 562 retained).
Molecular consequence: synonymous variant.
Genome position (GRCh38, 1-based): chr1:201,077,063, G>A on the plus strand (C>T on the coding strand, the complement: CACNA1S is on the minus strand). VCF-style: chr1-201077063-G-A. GRCh37 (hg19) VCF-style: chr1-201046191-G-A.
Identifiers: ClinVar variation 2140258 (VCV002140258.6), dbSNP rs1029722923, ClinGen allele CA35977676.